The following is an entry in ClinVar:

NM_000136.3(FANCC):c.868A>G (p.Ile290Val)

Genes: AOPEP (aminopeptidase O (putative); plus strand), FANCC (FA complementation group C; minus strand). Cytogenetic location: 9q22.32.
Variant type: single nucleotide variant.
Coding change: c.868A>G on transcript NM_000136.3 (MANE Select); coding-DNA position 868, A replaced by G.
Protein change: p.Ile290Val; replaces isoleucine 290 with valine.
Molecular consequence: missense variant.
Genome position (GRCh38, 1-based): chr9:95,126,557, T>C on the plus strand (A>G on the coding strand, the complement: FANCC is on the minus strand). VCF-style: chr9-95126557-T-C. GRCh37 (hg19) VCF-style: chr9-97888839-T-C.
Other names: c.868A>G, p.Ile290Val (NM_001243743.2, NM_001243744.2); short protein forms I290V.
Identifiers: ClinVar variation 1764302 (VCV001764302.3), dbSNP rs2541176261, ClinGen allele CA374109107.
Genomic context (GRCh38, chr9:95,126,557, plus strand): 5'-TCAATTACTAGAAGAAACAGTGTAACGTTTACCTGAACATCTCATCAACAACCCGGAATA[T>C]GGCAGGGTGGCAGGCTGCTTGAGGCTGTAAAAGGAGAAGACCATGAGAATGTGAAATATC-3'
Protein context (NP_000127.2, residues 280-300): SLPQAACHPA[Ile290Val]FRVVDEMFRC

ClinVar aggregate classification (germline): Uncertain significance (1 of 4 stars; one submission).

Conditions:
Hereditary cancer-predisposing syndrome. Also called: Neoplastic Syndromes, Hereditary; Tumor predisposition; Hereditary Cancer Syndrome; Hereditary neoplastic syndrome. Identifiers: Orphanet 140162, MedGen C0027672, MeSH D009386, MONDO:0015356.

Allele frequency attached by ClinVar (database versions not stated): gnomAD exomes below 0.00001.
gnomAD v4.1: 6 of 1,614,040 alleles (0.00037%); highest among the groups gnomAD compares: East Asian, 0.0022%; no homozygotes.

Submission:

Ambry Genetics
Classification: Uncertain significance for Hereditary cancer-predisposing syndrome. Last evaluated: 2023-06-29. Review status: criteria provided, single submitter. Criteria: Ambry Variant Classification Scheme 2023. Collection method: clinical testing. Allele origin: germline.
Comment: The p.I290V variant (also known as c.868A>G), located in coding exon 8 of the FANCC gene, results from an A to G substitution at nucleotide position 868. The isoleucine at codon 290 is replaced by valine, an amino acid with highly similar properties. This amino acid position is well conserved in available vertebrate species; however, valine is the reference amino acid in other vertebrate species. In addition, this alteration is predicted to be tolerated by in silico analysis. Since supporting evidence is limited at this time, the clinical significance of this alteration remains unclear.